The following is an entry in ClinVar:

NM_032444.4(SLX4):c.1498A>C (p.Thr500Pro)

Gene: SLX4 (SLX4 structure-specific endonuclease subunit; minus strand). Cytogenetic location: 16p13.3.
Variant type: single nucleotide variant.
Coding change: c.1498A>C on transcript NM_032444.4 (MANE Select); coding-DNA position 1498, A replaced by C.
Protein change: p.Thr500Pro; replaces threonine 500 with proline.
Molecular consequence: missense variant.
Genome position (GRCh38, 1-based): chr16:3,597,564, T>G on the plus strand (A>C on the coding strand, the complement: SLX4 is on the minus strand). VCF-style: chr16-3597564-T-G. GRCh37 (hg19) VCF-style: chr16-3647565-T-G.
Other names: short protein forms T500P.
Identifiers: ClinVar variation 2998965 (VCV002998965.3), dbSNP rs2548219010, ClinGen allele CA394528945.

ClinVar aggregate classification (germline): Uncertain significance (1 of 4 stars; one submission).

Conditions:
Fanconi anemia (FA). Also called: Fanconi's anemia. Identifiers: Orphanet 84, MedGen C0015625, MeSH D005199, MONDO:0019391.

Submission:

Labcorp Genetics (formerly Invitae), Labcorp
Classification: Uncertain significance for Fanconi anemia. Last evaluated: 2023-02-17. Review status: criteria provided, single submitter. Criteria: Invitae Variant Classification Sherloc (09022015). Collection method: clinical testing. Allele origin: germline.
Comment: In summary, the available evidence is currently insufficient to determine the role of this variant in disease. Therefore, it has been classified as a Variant of Uncertain Significance. This sequence change replaces threonine, which is neutral and polar, with proline, which is neutral and non-polar, at codon 500 of the SLX4 protein (p.Thr500Pro). This variant is not present in population databases (gnomAD no frequency). This variant has not been reported in the literature in individuals affected with SLX4-related conditions. An algorithm developed to predict the effect of missense changes on protein structure and function (PolyPhen-2) suggests that this variant is likely to be disruptive.